The following is an entry in ClinVar:

NM_032217.5(ANKRD17):c.7643C>T (p.Pro2548Leu)

Gene: ANKRD17 (ankyrin repeat domain 17; minus strand). Cytogenetic location: 4q13.3.
Variant type: single nucleotide variant.
Coding change: c.7643C>T on transcript NM_032217.5 (MANE Select); coding-DNA position 7643, C replaced by T.
Protein change: p.Pro2548Leu; replaces proline 2548 with leucine.
Molecular consequence: missense variant.
Genome position (GRCh38, 1-based): chr4:73,077,049, G>A on the plus strand (C>T on the coding strand, the complement: ANKRD17 is on the minus strand). VCF-style: chr4-73077049-G-A. GRCh37 (hg19) VCF-style: chr4-73942766-G-A.
Other names: c.7304C>T, p.Pro2435Leu (NM_001286771.3); c.7640C>T, p.Pro2547Leu (NM_015574.2); c.6890C>T, p.Pro2297Leu (NM_198889.3); short protein forms P2297L, P2435L, P2547L, P2548L.
Identifiers: ClinVar variation 4083056 (VCV004083056.1).
Genomic context (GRCh38, chr4:73,077,049, plus strand): 5'-GAGTTCCAAGAAGGGTCTGCAGCATGAGGGCCATTAAATATGGGTCCTCCAGCACCATCA[G>A]GGATAGGTGCTACTGGAGGAATCATTGCATTCCCATACACAGAAAAAGGCATACCCTTAA-3'
Protein context (NP_115593.3, residues 2538-2558): NAMIPPVAPI[Pro2548Leu]DGAGGPIFNG

ClinVar aggregate classification (germline): Uncertain significance (1 of 4 stars; one submission).

Submission:

GeneDx
Classification: Uncertain significance. Last evaluated: 2025-03-12. Review status: criteria provided, single submitter. Criteria: GeneDx Variant Classification Process June 2021. Collection method: clinical testing. Allele origin: germline. Affected: yes.
Comment: Not observed at significant frequency in large population cohorts (gnomAD); In silico analysis indicates that this missense variant does not alter protein structure/function; Has not been previously published as pathogenic or benign to our knowledge